The following is an entry in ClinVar:

ClinVar aggregate classification (germline): Likely benign. Review status: criteria provided, multiple submitters, no conflicts (2 of 4 stars). 2 submissions from 2 submitters: Likely benign (2). Last evaluated 2025-06-01.

Conditions:
DNA ligase IV deficiency. Identifiers: Orphanet 99812, MedGen C1847827, MONDO:0011686, OMIM 606593.

gnomAD v4.1: 2 of 1,614,142 alleles (0.00012%); highest among the groups gnomAD compares: Middle Eastern, 0.033%; no homozygotes.

Submissions (2):

CeGaT Center for Human Genetics Tuebingen
Classification: Likely benign. Last evaluated: 2025-06-01. Review status: criteria provided, single submitter. Criteria: CeGaT Center For Human Genetics Tuebingen Variant Classification Criteria Version 2. Collection method: clinical testing. Allele origin: germline. Affected: yes. Observed: 1 variant allele.
Comment: LIG4: BP4, BP7

Labcorp Genetics (formerly Invitae), Labcorp
Classification: Likely benign for DNA ligase IV deficiency. Last evaluated: 2024-09-30. Review status: criteria provided, single submitter. Criteria: Invitae Variant Classification Sherloc (09022015). Collection method: clinical testing. Allele origin: germline.

NM_206937.2(LIG4):c.1515T>G (p.Arg505=)

Gene: LIG4 (DNA ligase 4; minus strand). Cytogenetic location: 13q33.3.
Variant type: single nucleotide variant.
Coding change: c.1515T>G on transcript NM_206937.2 (MANE Select); coding-DNA position 1515, T replaced by G.
Protein change: p.Arg505=; no amino-acid change (arginine 505 retained).
Molecular consequence: synonymous variant.
Genome position (GRCh38, 1-based): chr13:108,209,754, A>C on the plus strand (T>G on the coding strand, the complement: LIG4 is on the minus strand). VCF-style: chr13-108209754-A-C. GRCh37 (hg19) VCF-style: chr13-108862102-A-C.
Other names: c.1515T>G, p.Arg505= (NM_001098268.2, NM_001352598.2, NM_001352599.2 and 6 more transcripts); c.1314T>G, p.Arg438= (NM_001330595.2); c.1551T>G, p.Arg517= (NM_001352604.2).
Identifiers: ClinVar variation 3628303 (VCV003628303.12).